The following is an entry in ClinVar:

ClinVar aggregate classification (germline): Benign/Likely benign. Review status: criteria provided, multiple submitters, no conflicts (2 of 4 stars). 5 submissions from 5 submitters: Benign (3); Likely benign (2). Last evaluated 2026-04-01.

Conditions:
Congenital dyserythropoietic anemia, type II (CDAN2). Also called: DYSERYTHROPOIETIC ANEMIA, HEMPAS TYPE. Identifiers: Orphanet 98873, MedGen C1306589, MONDO:0009134, OMIM 224100.
Cowden syndrome 7 (CWS7). Identifiers: Orphanet 201, MedGen C4225179, MONDO:0014802, OMIM 616858.

Allele frequency attached by ClinVar (database versions not stated): 1000 Genomes Project 0.00200; 1000 Genomes Project 30x 0.00234; TOPMed 0.00264; gnomAD exomes 0.00301; ExAC 0.00303; gnomAD 0.00316 and 0.00317; ESP Exome Variant Server 0.00354.
gnomAD v4.1: 6,424 of 1,614,022 alleles (0.4%); highest among the groups gnomAD compares: Non-Finnish European, 0.46%; 28 homozygotes.

Submissions (5):

CeGaT Center for Human Genetics Tuebingen
Classification: Likely benign. Last evaluated: 2026-04-01. Review status: criteria provided, single submitter. Criteria: CeGaT Center For Human Genetics Tuebingen Variant Classification Criteria Version 2. Collection method: clinical testing. Allele origin: germline. Affected: yes. Observed: 17 variant alleles.
Comment: SEC23B: BP4, BS2

Labcorp Genetics (formerly Invitae), Labcorp
Classification: Benign for Congenital dyserythropoietic anemia, type II; Cowden syndrome 7. Last evaluated: 2026-01-31. Review status: criteria provided, single submitter. Criteria: Invitae Variant Classification Sherloc (09022015). Collection method: clinical testing. Allele origin: germline.

Mayo Clinic Laboratories, Mayo Clinic
Classification: Benign. Last evaluated: 2025-08-27. Review status: criteria provided, single submitter. Criteria: ACMG Guidelines, 2015. Collection method: clinical testing. Allele origin: germline. Observed: 15 variant alleles.
Comment: BA1, BP4, BP7

ARUP Laboratories, Molecular Genetics and Genomics, ARUP Laboratories
Classification: Benign. Last evaluated: 2025-02-21. Review status: criteria provided, single submitter. Criteria: ARUP Molecular Germline Variant Investigation Process 2024. Collection method: clinical testing. Allele origin: germline.

Illumina Laboratory Services, Illumina
Classification: Likely benign for Congenital dyserythropoietic anemia, type II. Last evaluated: 2018-01-12. Review status: criteria provided, single submitter. Criteria: ICSL Variant Classification Criteria 13 December 2019. Collection method: clinical testing. Allele origin: germline.
Comment: This variant was observed in the ICSL laboratory as part of a predisposition screen in an ostensibly healthy population. It had not been previously curated by ICSL or reported in the Human Gene Mutation Database (HGMD: prior to June 1st, 2018), and was therefore a candidate for classification through an automated scoring system. Utilizing variant allele frequency, disease prevalence and penetrance estimates, and inheritance mode, an automated score was calculated to assess if this variant is too frequent to cause the disease. Based on the score and internal cut-off values, a variant classified as likely benign is not then subjected to further curation. The score for this variant resulted in a classification of likely benign for this disease.

NM_006363.6(SEC23B):c.835-7A>G

Gene: SEC23B (SEC23 homolog B, COPII component; plus strand). Cytogenetic location: 20p11.23.
Variant type: single nucleotide variant.
Coding change: c.835-7A>G on transcript NM_006363.6 (MANE Select); 7 bases into the intron before coding-DNA position 835, A replaced by G.
Molecular consequence: intron variant.
Genome position (GRCh38, 1-based): chr20:18,526,366, A>G. VCF-style: chr20-18526366-A-G. GRCh37 (hg19) VCF-style: chr20-18507010-A-G.
Other names: p.?; c.835-7A>G (NM_032986.5, NM_001172745.3, NM_032985.6); c.781-7A>G (NM_001172746.3).
Identifiers: ClinVar variation 707043 (VCV000707043.53), dbSNP rs184484121, ClinGen allele CA9778149.